The following is an entry in ClinVar:

ClinVar aggregate classification (germline): Pathogenic (1 of 4 stars; one submission).

Conditions:
Autosomal recessive limb-girdle muscular dystrophy type 2A (LGMDR1). Also called: LEYDEN-MOEBIUS MUSCULAR DYSTROPHY; MUSCULAR DYSTROPHY, PELVOFEMORAL; Muscular dystrophy, limb-girdle, type 2A, Amish; Limb-girdle muscular dystrophy, type 2A; Calpainopathy. Identifiers: Orphanet 267, MedGen C1869123, MONDO:0009675, OMIM 253600. Disease mechanism: loss of function.

Submission:

Labcorp Genetics (formerly Invitae), Labcorp
Classification: Pathogenic for Autosomal recessive limb-girdle muscular dystrophy type 2A. Last evaluated: 2023-04-30. Review status: criteria provided, single submitter. Criteria: Invitae Variant Classification Sherloc (09022015). Collection method: clinical testing. Allele origin: germline.
Comment: For these reasons, this variant has been classified as Pathogenic. Algorithms developed to predict the effect of sequence changes on RNA splicing suggest that this variant may disrupt the consensus splice site. This variant has not been reported in the literature in individuals affected with CAPN3-related conditions. This variant is not present in population databases (gnomAD no frequency). This sequence change creates a premature translational stop signal (p.Lys374Serfs*43) in the CAPN3 gene. It is expected to result in an absent or disrupted protein product. Loss-of-function variants in CAPN3 are known to be pathogenic (PMID: 10330340, 15689361).

Literature cited by the submitters: PubMed 10330340; PubMed 15689361.

NM_000070.3(CAPN3):c.1120_1171del (p.Lys374fs)

Gene: CAPN3 (calpain 3; plus strand). Cytogenetic location: 15q15.1.
Variant type: Deletion.
Coding change: c.1120_1171del on transcript NM_000070.3 (MANE Select); coding-DNA positions 1120 to 1171, 52 bases deleted.
Protein change: p.Lys374fs; shifts the reading frame from lysine 374.
Molecular consequence: frameshift variant.
Genome position (GRCh38, 1-based): chr15:42,396,804-42,396,855, 52 bases deleted. GRCh37 (hg19): chr15:42,689,002-42,689,053.
Other names: c.1120_1171del, p.Lys374fs (NM_024344.2); c.976_1027del, p.Lys326fs (NM_173087.2); c.859_910del52, p.Lys287Serfs (NM_212464.2); c.*813_*864del52 (NM_212467.2); short protein forms K326fs, K374fs.
Identifiers: ClinVar variation 2860719 (VCV002860719.3), dbSNP rs2548270128, ClinGen allele CA2739278148.